The following is an entry in ClinVar:

ClinVar aggregate classification (germline): Uncertain significance (1 of 4 stars; one submission).

Conditions:
Usher syndrome type 3B. Also called: USHER SYNDROME, TYPE IIIB. Identifiers: MedGen C3281066, MONDO:0013788, OMIM 614504.

Allele frequency attached by ClinVar (database versions not stated): gnomAD exomes 0.00001.
gnomAD v4.1: 10 of 1,585,652 alleles (0.00063%); highest among the groups gnomAD compares: East Asian, 0.0045%; no homozygotes.

Submission:

Labcorp Genetics (formerly Invitae), Labcorp
Classification: Uncertain significance for Usher syndrome type 3B. Last evaluated: 2024-07-08. Review status: criteria provided, single submitter. Criteria: Invitae Variant Classification Sherloc (09022015). Collection method: clinical testing. Allele origin: germline.
Comment: This sequence change replaces tyrosine, which is neutral and polar, with cysteine, which is neutral and slightly polar, at codon 129 of the HARS protein (p.Tyr129Cys). This variant is present in population databases (no rsID available, gnomAD 0.006%). This variant has not been reported in the literature in individuals affected with HARS-related conditions. ClinVar contains an entry for this variant (Variation ID: 1906937). Advanced modeling of protein sequence and biophysical properties (such as structural, functional, and spatial information, amino acid conservation, physicochemical variation, residue mobility, and thermodynamic stability) performed at Invitae indicates that this missense variant is expected to disrupt HARS protein function with a positive predictive value of 80%. In summary, the available evidence is currently insufficient to determine the role of this variant in disease. Therefore, it has been classified as a Variant of Uncertain Significance.

NM_002109.6(HARS1):c.386A>G (p.Tyr129Cys)

Gene: HARS1 (histidyl-tRNA synthetase 1; minus strand). Cytogenetic location: 5q31.3.
Variant type: single nucleotide variant.
Coding change: c.386A>G on transcript NM_002109.6 (MANE Select); coding-DNA position 386, A replaced by G.
Protein change: p.Tyr129Cys; replaces tyrosine 129 with cysteine.
Molecular consequence: missense variant. On other transcripts: intron variant (2).
Genome position (GRCh38, 1-based): chr5:140,679,798, T>C on the plus strand (A>G on the coding strand, the complement: HARS1 is on the minus strand). VCF-style: chr5-140679798-T-C. GRCh37 (hg19) VCF-style: chr5-140059383-T-C.
Other names: c.266A>G, p.Tyr89Cys (NM_001258040.3, NM_001258042.3); c.386A>G, p.Tyr129Cys (NM_001258041.3); c.299A>G, p.Tyr100Cys (NM_001289094.2); c.181-1783A>G (NM_001289093.2); c.301-1783A>G (NM_001289092.2); short protein forms Y89C, Y100C, Y129C.
Identifiers: ClinVar variation 1906937 (VCV001906937.5), dbSNP rs781114051, ClinGen allele CA128378013.
Genomic context (GRCh38, chr5:140,679,798, plus strand): 5'-GTGAGTGCCAATCCATCCAAAGTCTCAAGAGCCCAAGTTTAGAAAGATACAGTGAGGTCA[T>C]AGCGAAGGGACAGGAGCTCCCCGCCCTGGTCCTTCAGGTCATAGATAAGCTTGGAGTCTT-3'
Protein context (NP_002100.2, residues 119-139): DQGGELLSLR[Tyr129Cys]DLTVPFARYL